The following is an entry in ClinVar:

ClinVar aggregate classification (germline): Likely benign. Review status: criteria provided, multiple submitters, no conflicts (2 of 4 stars). 3 submissions from 3 submitters: Likely benign (3). Last evaluated 2026-05-12.

gnomAD v4.1: 73 of 540,648 alleles (0.014%); highest among the groups gnomAD compares: African/African-American, 0.19%; no homozygotes.

Submissions (3):

Women's Health and Genetics/Laboratory Corporation of America, LabCorp
Classification: Likely benign. Last evaluated: 2026-05-12. Review status: criteria provided, single submitter. Criteria: LabCorp Variant Classification Summary - May 2015. Collection method: clinical testing. Allele origin: germline.

CeGaT Center for Human Genetics Tuebingen
Classification: Likely benign. Last evaluated: 2025-03-01. Review status: criteria provided, single submitter. Criteria: CeGaT Center For Human Genetics Tuebingen Variant Classification Criteria Version 2. Collection method: clinical testing. Allele origin: germline. Affected: yes. Observed: 1 variant allele.
Comment: ACAN: BP4, BP7

Blueprint Genetics
Classification: Likely benign. Last evaluated: 2024-06-05. Review status: criteria provided, single submitter. Criteria: ACMG Guidelines, 2015. Collection method: clinical testing. Allele origin: germline.

NM_001369268.1(ACAN):c.3015C>T (p.Ala1005=)

Gene: ACAN (aggrecan; plus strand). Cytogenetic location: 15q26.1.
Variant type: single nucleotide variant.
Coding change: c.3015C>T on transcript NM_001369268.1 (MANE Select); coding-DNA position 3015, C replaced by T.
Protein change: p.Ala1005=; no amino-acid change (alanine 1005 retained).
Molecular consequence: synonymous variant.
Genome position (GRCh38, 1-based): chr15:88,855,600, C>T. VCF-style: chr15-88855600-C-T. GRCh37 (hg19) VCF-style: chr15-89398831-C-T.
Other names: c.3015C>T, p.Ala1005= (NM_001135.4, NM_001411096.1, NM_001411097.1 and 1 more transcripts).
Identifiers: ClinVar variation 3777930 (VCV003777930.9).